The following is an entry in ClinVar:

NM_000493.4(COL10A1):c.2030T>G (p.Val677Gly)

Genes: COL10A1 (collagen type X alpha 1 chain; minus strand), NT5DC1 (5'-nucleotidase domain containing 1; plus strand). Cytogenetic location: 6q22.1.
Variant type: single nucleotide variant.
Coding change: c.2030T>G on transcript NM_000493.4 (MANE Select); coding-DNA position 2030, T replaced by G.
Protein change: p.Val677Gly; replaces valine 677 with glycine.
Molecular consequence: missense variant. On other transcripts: intron variant (1).
Genome position (GRCh38, 1-based): chr6:116,120,086, A>C on the plus strand (T>G on the coding strand, the complement: COL10A1 is on the minus strand). VCF-style: chr6-116120086-A-C. GRCh37 (hg19) VCF-style: chr6-116441249-A-C.
Other names: c.2030T>G, p.Val677Gly (NM_001424106.1, NM_001424107.1); c.529+2141A>C (NM_152729.3); short protein forms V677G.
Identifiers: ClinVar variation 3640989 (VCV003640989.2).

ClinVar aggregate classification (germline): Uncertain significance (1 of 4 stars; one submission).

Submission:

Labcorp Genetics (formerly Invitae), Labcorp
Classification: Uncertain significance. Last evaluated: 2024-02-15. Review status: criteria provided, single submitter. Criteria: Invitae Variant Classification Sherloc (09022015). Collection method: clinical testing. Allele origin: germline.
Comment: This sequence change replaces valine, which is neutral and non-polar, with glycine, which is neutral and non-polar, at codon 677 of the COL10A1 protein (p.Val677Gly). This variant is not present in population databases (gnomAD no frequency). This variant has not been reported in the literature in individuals affected with COL10A1-related conditions. Advanced modeling of protein sequence and biophysical properties (such as structural, functional, and spatial information, amino acid conservation, physicochemical variation, residue mobility, and thermodynamic stability) has been performed at Invitae for this missense variant, however the output from this modeling did not meet the statistical confidence thresholds required to predict the impact of this variant on COL10A1 protein function. In summary, the available evidence is currently insufficient to determine the role of this variant in disease. Therefore, it has been classified as a Variant of Uncertain Significance.